The following is an entry in ClinVar:

NM_006904.7(PRKDC):c.1768G>A (p.Glu590Lys)

Gene: PRKDC (protein kinase, DNA-activated, catalytic subunit; minus strand). Cytogenetic location: 8q11.21.
Variant type: single nucleotide variant.
Coding change: c.1768G>A on transcript NM_006904.7 (MANE Select); coding-DNA position 1768, G replaced by A.
Protein change: p.Glu590Lys; replaces glutamic acid 590 with lysine.
Molecular consequence: missense variant.
Genome position (GRCh38, 1-based): chr8:47,933,028, C>T on the plus strand (G>A on the coding strand, the complement: PRKDC is on the minus strand). VCF-style: chr8-47933028-C-T. GRCh37 (hg19) VCF-style: chr8-48845588-C-T.
Other names: c.1768G>A, p.Glu590Lys (NM_001081640.2); short protein forms E590K.
Identifiers: ClinVar variation 2449803 (VCV002449803.2), dbSNP rs2551879009, ClinGen allele CA371164906.

ClinVar aggregate classification (germline): Uncertain significance (1 of 4 stars; one submission).

Submission:

Ambry Genetics
Classification: Uncertain significance. Last evaluated: 2022-11-03. Review status: criteria provided, single submitter. Criteria: Ambry Variant Classification Scheme 2023. Collection method: clinical testing. Allele origin: germline.
Comment: The p.E590K variant (also known as c.1768G>A), located in coding exon 16 of the PRKDC gene, results from a G to A substitution at nucleotide position 1768. The glutamic acid at codon 590 is replaced by lysine, an amino acid with similar properties. This amino acid position is conserved. In addition, this alteration is predicted to be tolerated by in silico analysis. Since supporting evidence is limited at this time, the clinical significance of this alteration remains unclear.